The following is an entry in ClinVar:

NM_005359.6(SMAD4):c.763G>T (p.Gly255Cys)

Gene: SMAD4 (SMAD family member 4; plus strand). Cytogenetic location: 18q21.2.
Variant type: single nucleotide variant.
Coding change: c.763G>T on transcript NM_005359.6 (MANE Select); coding-DNA position 763, G replaced by T.
Protein change: p.Gly255Cys; replaces glycine 255 with cysteine.
Molecular consequence: missense variant.
Genome position (GRCh38, 1-based): chr18:51,058,220, G>T. VCF-style: chr18-51058220-G-T. GRCh37 (hg19) VCF-style: chr18-48584590-G-T.
Other names: short protein forms G255C.
Identifiers: ClinVar variation 460565 (VCV000460565.23), dbSNP rs1555685930, ClinGen allele CA402463077.

ClinVar aggregate classification (germline): Uncertain significance. Review status: criteria provided, multiple submitters, no conflicts (2 of 4 stars). 7 submissions from 7 submitters: Uncertain significance (7). Last evaluated 2025-09-30.

Conditions:
Hereditary cancer-predisposing syndrome. Also called: Neoplastic Syndromes, Hereditary; Hereditary Cancer Syndrome; Hereditary neoplastic syndrome; Tumor predisposition. Identifiers: Orphanet 140162, MedGen C0027672, MeSH D009386, MONDO:0015356.
Familial thoracic aortic aneurysm and aortic dissection (TAAD). Also called: Thoracic aortic aneurysms and dissections. Identifiers: Orphanet 91387, MedGen C4707243, MONDO:0019625.
Juvenile polyposis syndrome (JPS). Identifiers: Orphanet 2929, MedGen C0345893, MONDO:0017380, OMIM 174900.
Juvenile polyposis/hereditary hemorrhagic telangiectasia syndrome (JPHT). Also called: POLYPOSIS, GENERALIZED JUVENILE, WITH PULMONARY ARTERIOVENOUS MALFORMATION; TELANGIECTASIA, HEREDITARY HEMORRHAGIC, WITH JUVENILE POLYPOSIS COLI; Juvenile Polyposis Syndrome / Hereditary Hemorrhagic Telangiectasia (JPS/HHT); JP/HHT SYNDROME; JUVENILE POLYPOSIS WITH HEREDITARY HEMORRHAGIC TELANGIECTASIA. Identifiers: Orphanet 2929, MedGen C1832942, MONDO:0008278, OMIM 175050.

Allele frequency attached by ClinVar (database versions not stated): gnomAD exomes below 0.00001.
gnomAD v4.1: 2 of 1,614,146 alleles (0.00012%); highest among the groups gnomAD compares: Non-Finnish European, 0.00017%; no homozygotes.

Submissions (7):

GeneDx
Classification: Uncertain significance. Last evaluated: 2025-09-30. Review status: criteria provided, single submitter. Criteria: GeneDx Variant Classification Process June 2021. Collection method: clinical testing. Allele origin: germline. Affected: yes.
Comment: Not observed at significant frequency in large population cohorts (gnomAD); In silico analysis suggests that this missense variant does not alter protein structure/function; Has not been previously published as pathogenic or benign to our knowledge; In silico analysis is inconclusive as to whether the variant alters gene splicing. In the absence of RNA/functional studies, the actual effect of this sequence change is unknown.; This variant is associated with the following publications: (PMID: 18823382, 22992590, 15235019)

Ambry Genetics
Classification: Uncertain significance for Hereditary cancer-predisposing syndrome; Familial thoracic aortic aneurysm and aortic dissection. Last evaluated: 2025-07-22. Review status: criteria provided, single submitter. Criteria: Ambry Variant Classification Scheme 2023. Collection method: clinical testing. Allele origin: germline.
Comment: The p.G255C variant (also known as c.763G>T), located in coding exon 5 of the SMAD4 gene, results from a G to T substitution at nucleotide position 763. The glycine at codon 255 is replaced by cysteine, an amino acid with highly dissimilar properties. This amino acid position is not well conserved in available vertebrate species. In addition, this alteration is predicted to be tolerated by in silico analysis. Since supporting evidence is limited at this time, the clinical significance of this alteration remains unclear.

Labcorp Genetics (formerly Invitae), Labcorp
Classification: Uncertain significance for Juvenile polyposis syndrome. Last evaluated: 2025-06-19. Review status: criteria provided, single submitter. Criteria: Invitae Variant Classification Sherloc (09022015). Collection method: clinical testing. Allele origin: germline.
Comment: This sequence change replaces glycine, which is neutral and non-polar, with cysteine, which is neutral and slightly polar, at codon 255 of the SMAD4 protein (p.Gly255Cys). This variant is not present in population databases (gnomAD no frequency). This variant has not been reported in the literature in individuals affected with SMAD4-related conditions. ClinVar contains an entry for this variant (Variation ID: 460565). Invitae Evidence Modeling of protein sequence and biophysical properties (such as structural, functional, and spatial information, amino acid conservation, physicochemical variation, residue mobility, and thermodynamic stability) indicates that this missense variant is not expected to disrupt SMAD4 protein function with a negative predictive value of 95%. RNA analysis performed to evaluate the impact of this missense change on mRNA splicing indicates it does not significantly alter splicing (internal data). In summary, the available evidence is currently insufficient to determine the role of this variant in disease. Therefore, it has been classified as a Variant of Uncertain Significance.

Color Diagnostics, LLC DBA Color Health
Classification: Uncertain significance for Hereditary cancer-predisposing syndrome. Last evaluated: 2023-12-04. Review status: criteria provided, single submitter. Criteria: ACMG Guidelines, 2015. Collection method: clinical testing. Allele origin: germline.
Comment: This missense variant replaces glycine with cysteine at codon 255 of the SMAD4 protein. Computational prediction suggests that this variant may not impact protein structure and function (internally defined REVEL score threshold <= 0.5, PMID: 27666373). To our knowledge, functional studies have not been reported for this variant. This variant has not been reported in individuals affected with SMAD4-related disorders in the literature. This variant has not been identified in the general population by the Genome Aggregation Database (gnomAD). The available evidence is insufficient to determine the role of this variant in disease conclusively. Therefore, this variant is classified as a Variant of Uncertain Significance.

Baylor Genetics
Classification: Uncertain significance for Juvenile polyposis/hereditary hemorrhagic telangiectasia syndrome. Last evaluated: 2023-06-22. Review status: criteria provided, single submitter. Criteria: ACMG Guidelines, 2015. Collection method: clinical testing. Allele origin: unknown.

Quest Diagnostics Nichols Institute San Juan Capistrano
Classification: Uncertain significance. Last evaluated: 2023-05-10. Review status: criteria provided, single submitter. Criteria: Quest Diagnostics criteria. Collection method: clinical testing. Allele origin: unknown.
Comment: This variant has not been reported in the published literature. It also has not been reported in large, multi-ethnic general populations. Analysis of this variant using bioinformatics tools for the prediction of the effect of amino acid changes on protein structure and function yielded predictions that this variant is benign. Based on the available information, we are unable to determine the clinical significance of this variant.

Sema4
Classification: Uncertain significance for Hereditary cancer-predisposing syndrome. Last evaluated: 2021-04-30. Review status: criteria provided, single submitter. Criteria: Sema4 Curation Guidelines. Collection method: curation. Allele origin: germline.
Comment: The SMAD4 c.763G>T (p.G255C) variant has not been reported in the literature to our knowledge. It was not observed in the large and broad cohorts of the Genome Aggregation Database. The variant has been reported in ClinVar (Variation ID 460565). In silico tools suggest the impact of the variant on protein function is inconclusive, though these predictions have not been confirmed by functional studies. The evidence is insufficient to meet ACMG/AMP criteria for classifying the variant as benign or pathogenic. Thus, the clinical significance of this variant is currently uncertain.